The following is an entry in ClinVar:

ClinVar aggregate classification (germline): Uncertain significance (1 of 4 stars; one submission).

Submission:

Dasa
Classification: Uncertain significance. Last evaluated: 2025-01-23. Review status: criteria provided, single submitter. Criteria: DASA Assertion Criteria. Collection method: clinical testing. Allele origin: germline.
Comment: NM_001357.5(DHX9):c.3770G>C (p.Gly1257Ala) is a missense variant that results in the substitution of glycine with alanine. This variant is absent from population databases. Computational prediction algorithms are consistent with a benign effect. The currently available literature and clinical evidence are not sufficient to establish a definitive association between this variant and the reported condition. Therefore, this variant is classified as a variant of uncertain significance.

NM_001357.5(DHX9):c.3770G>C (p.Gly1257Ala)

Gene: DHX9 (DExH-box helicase 9; plus strand). Cytogenetic location: 1q25.3.
Variant type: single nucleotide variant.
Coding change: c.3770G>C on transcript NM_001357.5 (MANE Select); coding-DNA position 3770, G replaced by C.
Protein change: p.Gly1257Ala; replaces glycine 1257 with alanine.
Molecular consequence: missense variant. On other transcripts: non-coding transcript variant (1).
Genome position (GRCh38, 1-based): chr1:182,887,391, G>C. VCF-style: chr1-182887391-G-C. GRCh37 (hg19) VCF-style: chr1-182856526-G-C.
Other names: short protein forms G1257A.
Identifiers: ClinVar variation 4881729 (VCV004881729.2).
Genomic context (GRCh38, chr1:182,887,391, plus strand): 5'-CTAGTGGAGGCTACAGAGGATCTGGGGGATTCCAGCGAGGAGGTGGTAGGGGGGCCTATG[G>C]AACTGGCTACTTTGGACAGGGAAGAGGAGGTGGCGGCTATTAAAACTTGGTTATGTCAGT-3'
Protein context (NP_001348.2, residues 1247-1267): FQRGGGRGAY[Gly1257Ala]TGYFGQGRGG